The following is an entry in ClinVar:

NC_000023.10:g.(?_46736940)_(46739204_?)del

Gene: RP2 (RP2 activator of ARL3 GTPase; plus strand). Cytogenetic location: Xp11.23.
Variant type: Deletion.
Identifiers: ClinVar variation 833065 (VCV000833065.1).

ClinVar aggregate classification (germline): Pathogenic (1 of 4 stars; one submission).

Submission:

Labcorp Genetics (formerly Invitae), Labcorp
Classification: Pathogenic. Last evaluated: 2019-12-17. Review status: criteria provided, single submitter. Criteria: Invitae Variant Classification Sherloc (09022015). Collection method: clinical testing. Allele origin: germline.
Comment: This variant is a gross deletion of the genomic region encompassing exons 4-5 of the RP2 gene. The 5' boundary is likely confined to intron 3. The 3' end of this event is unknown as it extends through the termination codon beyond the assayed region for this gene and may encompass additional genes. While this deletion is not anticipated to result in nonsense mediated decay, it is expected to create a truncated protein product or disrupt mRNA translation. This variant has not been reported in the literature in individuals with RP2-related conditions. This variant disrupts the C-terminus of the RP2 protein. Other variant(s) that disrupt this region (deletion of exon 4, which is expected to result in a truncated protein that escapes nonsense mediated decay) have been determined to be pathogenic (PMID: 9697692, 23372056). This suggests that variants that disrupt this region of the protein are likely to be causative of disease. For these reasons, this variant has been classified as Pathogenic.

Literature cited by the submitters: PubMed 9697692; PubMed 23372056.